The following is an entry in ClinVar:

ClinVar aggregate classification (germline): Uncertain significance (1 of 4 stars; one submission).

Conditions:
Brody myopathy. Also called: BRODY DISEASE. Identifiers: Orphanet 53347, MedGen C1832918, MONDO:0010977, OMIM 601003.

Allele frequency attached by ClinVar (database versions not stated): gnomAD exomes below 0.00001.
gnomAD v4.1: 1 of 1,614,220 alleles (0.000062%); highest among the groups gnomAD compares: Non-Finnish European, 0.000085%; no homozygotes.

Submission:

Labcorp Genetics (formerly Invitae), Labcorp
Classification: Uncertain significance for Brody myopathy. Last evaluated: 2022-04-04. Review status: criteria provided, single submitter. Criteria: Invitae Variant Classification Sherloc (09022015). Collection method: clinical testing. Allele origin: germline.
Comment: In summary, the available evidence is currently insufficient to determine the role of this variant in disease. Therefore, it has been classified as a Variant of Uncertain Significance. Algorithms developed to predict the effect of missense changes on protein structure and function are either unavailable or do not agree on the potential impact of this missense change (SIFT: "Tolerated"; PolyPhen-2: "Probably Damaging"; Align-GVGD: "Class C0"). This variant has not been reported in the literature in individuals affected with ATP2A1-related conditions. This variant is not present in population databases (gnomAD no frequency). This sequence change replaces glycine, which is neutral and non-polar, with serine, which is neutral and polar, at codon 81 of the ATP2A1 protein (p.Gly81Ser).

NM_004320.6(ATP2A1):c.241G>A (p.Gly81Ser)

Gene: ATP2A1 (ATPase sarcoplasmic/endoplasmic reticulum Ca2+ transporting 1; plus strand). Cytogenetic location: 16p11.2.
Variant type: single nucleotide variant.
Coding change: c.241G>A on transcript NM_004320.6 (MANE Select); coding-DNA position 241, G replaced by A.
Protein change: p.Gly81Ser; replaces glycine 81 with serine.
Molecular consequence: missense variant. On other transcripts: 5 prime UTR variant (1).
Genome position (GRCh38, 1-based): chr16:28,880,936, G>A. VCF-style: chr16-28880936-G-A. GRCh37 (hg19) VCF-style: chr16-28892257-G-A.
Other names: c.-135G>A (NM_001286075.2); c.241G>A, p.Gly81Ser (NM_173201.5); short protein forms G81S.
Identifiers: ClinVar variation 2121318 (VCV002121318.4), dbSNP rs2506250622, ClinGen allele CA395400413.